The following is an entry in ClinVar:

NM_005188.4(CBL):c.1258C>G (p.Arg420Gly)

Gene: CBL (Cbl proto-oncogene; plus strand). Cytogenetic location: 11q23.3.
Variant type: single nucleotide variant.
Coding change: c.1258C>G on transcript NM_005188.4 (MANE Select); coding-DNA position 1258, C replaced by G.
Protein change: p.Arg420Gly; replaces arginine 420 with glycine.
Molecular consequence: missense variant.
Genome position (GRCh38, 1-based): chr11:119,278,540, C>G. VCF-style: chr11-119278540-C-G. GRCh37 (hg19) VCF-style: chr11-119149250-C-G.
Other names: short protein forms R420G.
Identifiers: ClinVar variation 2735775 (VCV002735775.3), dbSNP rs200341293, ClinGen allele CA382913835.

ClinVar aggregate classification (germline): Uncertain significance (1 of 4 stars; one submission).

Conditions:
RASopathy. Also called: Noonan spectrum disorder; rasopathies. Identifiers: Orphanet 536391, MedGen C5555857, MONDO:0021060.

Submission:

Labcorp Genetics (formerly Invitae), Labcorp
Classification: Uncertain significance for RASopathy. Last evaluated: 2023-11-01. Review status: criteria provided, single submitter. Criteria: Invitae Variant Classification Sherloc (09022015). Collection method: clinical testing. Allele origin: germline.
Comment: This sequence change replaces arginine, which is basic and polar, with glycine, which is neutral and non-polar, at codon 420 of the CBL protein (p.Arg420Gly). This variant is not present in population databases (gnomAD no frequency). This missense change has been observed in individual(s) with clinical features of CBL-related conditions (PMID: 19276253, 23823657). Advanced modeling of protein sequence and biophysical properties (such as structural, functional, and spatial information, amino acid conservation, physicochemical variation, residue mobility, and thermodynamic stability) has been performed at Invitae for this missense variant, however the output from this modeling did not meet the statistical confidence thresholds required to predict the impact of this variant on CBL protein function. This variant disrupts the p.Arg420 amino acid residue in CBL. Other variant(s) that disrupt this residue have been determined to be pathogenic (PMID: 20619386, 25178484, 33318624). This suggests that this residue is clinically significant, and that variants that disrupt this residue are likely to be disease-causing. In summary, the available evidence is currently insufficient to determine the role of this variant in disease. Therefore, it has been classified as a Variant of Uncertain Significance.

Literature cited by the submitters: PubMed 19276253; PubMed 23823657; PubMed 20619386; PubMed 25178484; PubMed 33318624.